The following is an entry in ClinVar:

ClinVar aggregate classification (germline): Uncertain significance (1 of 4 stars; one submission).

Conditions:
Malignant hyperthermia, susceptibility to, 5 (MHS5). Also called: CACNA1S-Related Malignant Hyperthermia Susceptibility. Identifiers: Orphanet 423, MedGen C1866077, MONDO:0011163, OMIM 601887.
Hypokalemic periodic paralysis, type 1. Also called: HypoPP; Hypokalemic Periodic Paralysis Type 1 (AD). Identifiers: Orphanet 681, MedGen C3714580, MONDO:0042979, OMIM 170400.

Submission:

Labcorp Genetics (formerly Invitae), Labcorp
Classification: Uncertain significance for Hypokalemic periodic paralysis, type 1; Malignant hyperthermia, susceptibility to, 5. Last evaluated: 2022-07-19. Review status: criteria provided, single submitter. Criteria: Invitae Variant Classification Sherloc (09022015). Collection method: clinical testing. Allele origin: germline.
Comment: This variant, c.330_332del, results in the deletion of 1 amino acid(s) of the CACNA1S protein (p.Phe110del), but otherwise preserves the integrity of the reading frame. This variant is not present in population databases (gnomAD no frequency). This variant has not been reported in the literature in individuals affected with CACNA1S-related conditions. In summary, the available evidence is currently insufficient to determine the role of this variant in disease. Therefore, it has been classified as a Variant of Uncertain Significance. Experimental studies and prediction algorithms are not available or were not evaluated, and the functional significance of this variant is currently unknown.

NM_000069.3(CACNA1S):c.327CTT[1] (p.Phe110del)

Gene: CACNA1S (calcium voltage-gated channel subunit alpha1 S; minus strand). Cytogenetic location: 1q32.1.
Variant type: Microsatellite.
Coding change: c.327CTT[1] on transcript NM_000069.3 (MANE Select); one copy of the 3-base unit CTT starting at c.327; the reference has two copies in a row; one copy, 3 bases deleted.
Protein change: p.Phe110del; deletes phenylalanine 110.
Molecular consequence: inframe deletion.
Genome position (GRCh38, 1-based): chr1:201,093,948-201,093,950, AAG deleted on the plus strand (CTT on the coding strand, the reverse complement: CACNA1S is on the minus strand); deleting any 3 consecutive bases within chr1:201,093,948-201,093,953 gives the same sequence; the position shown is the placement nearest the transcript's 3' end. VCF-style (leftmost placement, unchanged base first): chr1-201093947-TAAG-T. GRCh37 (hg19) VCF-style: chr1-201063075-TAAG-T.
Other names: short protein forms F110del.
Identifiers: ClinVar variation 1384925 (VCV001384925.8), dbSNP rs2102167501, ClinGen allele CA2580611530.
Genomic context (GRCh38, chr1:201,093,947, plus strand): 5'-GAAGACAATGGTGAAGTCCAGCACATTCCAGCCACTGCGCAGGTAAGCGTCCTGGTGGAA[TAAG>T]AAGCCGTAGGCAATGATCTTCATGGCGGCTTCAATCGAGAAGACAATGAGGAAGAAATAC-3'